The following is an entry in ClinVar:

ClinVar aggregate classification (germline): Likely pathogenic. Review status: criteria provided, multiple submitters, no conflicts (2 of 4 stars). 2 submissions from 2 submitters: Likely pathogenic (2). Last evaluated 2019-10-02.

Conditions:
Neurodevelopmental disorder with or without variable brain abnormalities; NEDBA. Also called: NEURODEVELOPMENTAL DISORDER WITH OR WITHOUT VARIABLE BRAIN ABNORMALITIES. Identifiers: MedGen C5193102, MONDO:0032755, OMIM 618443.

Submissions (2):

SIB Swiss Institute of Bioinformatics
Classification: Likely pathogenic for Neurodevelopmental disorder with or without variable brain abnormalities; NEDBA. Last evaluated: 2019-10-02. Review status: criteria provided, single submitter. Criteria: ACMG Guidelines, 2015. Collection method: curation. Allele origin: unknown.
Comment: This variant is interpreted as a Likely pathogenic for Neurodevelopmental disorder with or without variable brain abnormalities, autosomal dominant. The following ACMG Tag(s) were applied: PM2, PVS1-Strong.

Institute of Human Genetics, University of Leipzig Medical Center
Classification: Likely pathogenic for Neurodevelopmental disorder with or without variable brain abnormalities; NEDBA. Last evaluated: 2019-02-07. Review status: criteria provided, single submitter. Criteria: ACMG Guidelines, 2015. Collection method: clinical testing. Allele origin: de novo. Affected: yes.
Comment: This variant was identified as de novo (maternity and paternity confirmed).

Literature cited by the submitters: PubMed 30612693 (cited by SIB Swiss Institute of Bioinformatics and Institute of Human Genetics, University of Leipzig Medical Center).

NM_001318852.2(MAPK8IP3):c.79G>T (p.Glu27Ter)

Gene: MAPK8IP3 (mitogen-activated protein kinase 8 interacting protein 3; plus strand). Cytogenetic location: 16p13.3.
Variant type: single nucleotide variant.
Coding change: c.79G>T on transcript NM_001318852.2 (MANE Select); coding-DNA position 79, G replaced by T.
Protein change: p.Glu27Ter; replaces glutamic acid 27 with a stop codon.
Molecular consequence: nonsense.
Genome position (GRCh38, 1-based): chr16:1,706,418, G>T. VCF-style: chr16-1706418-G-T. GRCh37 (hg19) VCF-style: chr16-1756419-G-T.
Other names: c.79G>T, p.Glu27Ter (NM_001040439.2, NM_015133.5); short protein forms E27*.
Identifiers: ClinVar variation 805861 (VCV000805861.2), dbSNP rs1479142047, ClinGen allele CA394212600.
Genomic context (GRCh38, chr16:1,706,418, plus strand): 5'-GACGAGGGCGGCGGCGTGGTGGTGTACCAGGACGACTACTGCTCCGGCTCGGTGATGTCG[G>T]AGCGGGTGTCGGGCCTGGCGGGCTCCATCTACCGCGAGTTCGAGCGCCTCATCCACTGCT-3'